The following is an entry in ClinVar:

ClinVar aggregate classification (germline): Pathogenic (1 of 4 stars; one submission).

Conditions:
Epidermolysis bullosa simplex 3, localized or generalized intermediate, with BP230 deficiency (EBS3). Also called: Epidermolysis bullosa simplex, autosomal recessive 2; Epidermolysis bullosa simplex due to BP230 deficiency. Identifiers: Orphanet 412181, MedGen C3809470, MONDO:0014180, OMIM 615425.
Hereditary sensory and autonomic neuropathy type 6. Also called: HSAN VI; Neuropathy, hereditary sensory and autonomic, type VI. Identifiers: Orphanet 314381, MedGen C3539003, MONDO:0013839, OMIM 614653.

Submission:

Labcorp Genetics (formerly Invitae), Labcorp
Classification: Pathogenic for Epidermolysis bullosa simplex 3, localized or generalized intermediate, with BP230 deficiency; Hereditary sensory and autonomic neuropathy type 6. Last evaluated: 2024-07-15. Review status: criteria provided, single submitter. Criteria: Invitae Variant Classification Sherloc (09022015). Collection method: clinical testing. Allele origin: germline.
Comment: This sequence change creates a premature translational stop signal (p.Thr1397Argfs*10) in the DST gene. It is expected to result in an absent or disrupted protein product. Loss-of-function variants in DST are known to be pathogenic (PMID: 22522446, 25059916, 30371979). This variant is not present in population databases (gnomAD no frequency). This variant has not been reported in the literature in individuals affected with DST-related conditions. ClinVar contains an entry for this variant (Variation ID: 2008355). For these reasons, this variant has been classified as Pathogenic.

Literature cited by the submitters: PubMed 22522446; PubMed 25059916; PubMed 30371979.

NM_001723.7(DST):c.4189del (p.Thr1397fs)

Gene: DST (dystonin; minus strand). Cytogenetic location: 6p12.1.
Variant type: Deletion.
Coding change: c.4189del on transcript NM_001723.7 (MANE Plus Clinical); coding-DNA position 4189, one base deleted (A; older notation c.4189delA).
Protein change: p.Thr1397fs; shifts the reading frame from threonine 1397.
Molecular consequence: frameshift variant. On other transcripts: intron variant (10).
Genome position (GRCh38, 1-based): chr6:56,619,845, T deleted on the plus strand (A on the coding strand, the reverse complement: DST is on the minus strand); the first of 6 consecutive T bases (chr6:56,619,845-56,619,850); deleting any one gives the same sequence. VCF-style (leftmost placement, unchanged base first): chr6-56619844-GT-G. GRCh37 (hg19) VCF-style: chr6-56484642-GT-G.
Other names: c.4830+4685del (NM_001144769.5); c.4929+4685del (NM_001374722.1, NM_001374736.1); c.4956+4685del (NM_001374734.1); c.4416+4685del (NM_001144770.2); c.4296+4685del (NM_001374730.1, NM_001386100.1, NM_183380.4 and 1 more transcripts); c.3318+4685del (NM_015548.5); short protein forms T1397fs.
Identifiers: ClinVar variation 2008355 (VCV002008355.4), dbSNP rs772099949, ClinGen allele CA2580075575.